The following is an entry in ClinVar:

ClinVar aggregate classification (germline): Uncertain significance. Review status: criteria provided, multiple submitters, no conflicts (2 of 4 stars). 2 submissions from 2 submitters: Uncertain significance (2). Last evaluated 2022-07-24.

Conditions:
Hepatic veno-occlusive disease-immunodeficiency syndrome. Also called: Hepatic Veno-Occlusive Disease with Immunodeficiency. Identifiers: Orphanet 79124, MedGen C1856128, MONDO:0009338, OMIM 235550. Disease mechanism: loss of function.

Allele frequency attached by ClinVar (database versions not stated): gnomAD exomes below 0.00001; gnomAD 0.00005 and 0.00006; TOPMed 0.00005.
gnomAD v4.1: 12 of 1,613,900 alleles (0.00074%); highest among the groups gnomAD compares: African/African-American, 0.015%; no homozygotes.

Submissions (2):

Labcorp Genetics (formerly Invitae), Labcorp
Classification: Uncertain significance for Hepatic veno-occlusive disease-immunodeficiency syndrome. Last evaluated: 2022-07-24. Review status: criteria provided, single submitter. Criteria: Invitae Variant Classification Sherloc (09022015). Collection method: clinical testing. Allele origin: germline.
Comment: In summary, the available evidence is currently insufficient to determine the role of this variant in disease. Therefore, it has been classified as a Variant of Uncertain Significance. This sequence change replaces proline, which is neutral and non-polar, with serine, which is neutral and polar, at codon 124 of the SP110 protein (p.Pro124Ser). This variant is present in population databases (no rsID available, gnomAD 0.02%). This variant has not been reported in the literature in individuals affected with SP110-related conditions. ClinVar contains an entry for this variant (Variation ID: 838945). Algorithms developed to predict the effect of missense changes on protein structure and function output the following: SIFT: "Tolerated"; PolyPhen-2: "Possibly Damaging"; Align-GVGD: "Class C0". The serine amino acid residue is found in multiple mammalian species, which suggests that this missense change does not adversely affect protein function.

Department of Pathology and Laboratory Medicine, Sinai Health System
Classification: Uncertain significance for Hepatic veno-occlusive disease-immunodeficiency syndrome. Last evaluated: 2020-06-09. Review status: criteria provided, single submitter. Criteria: ACMG Guidelines, 2015. Collection method: research. Allele origin: germline.

NM_080424.4(SP110):c.370C>T (p.Pro124Ser)

Genes: SP110 (SP110 nuclear body protein; minus strand), SP140 (SP140 nuclear body protein; plus strand). Cytogenetic location: 2q37.1.
Variant type: single nucleotide variant.
Coding change: c.370C>T on transcript NM_080424.4 (MANE Select); coding-DNA position 370, C replaced by T.
Protein change: p.Pro124Ser; replaces proline 124 with serine.
Molecular consequence: missense variant.
Genome position (GRCh38, 1-based): chr2:230,212,974, G>A on the plus strand (C>T on the coding strand, the complement: SP110 is on the minus strand). VCF-style: chr2-230212974-G-A. GRCh37 (hg19) VCF-style: chr2-231077689-G-A.
Other names: c.388C>T, p.Pro130Ser (NM_001185015.2, NM_001378442.1, NM_001378444.1 and 2 more transcripts); c.370C>T, p.Pro124Ser (NM_001378443.1, NM_001378447.1, NM_004509.5 and 1 more transcripts); short protein forms P124S, P130S.
Identifiers: ClinVar variation 838945 (VCV000838945.10), dbSNP rs1158665994, ClinGen allele CA350917078.